The following is an entry in ClinVar:

ClinVar aggregate classification (germline): Conflicting classifications of pathogenicity. Review status: criteria provided, conflicting classifications (1 of 4 stars). 4 submissions from 4 submitters: Uncertain significance (2); Likely benign (2). Last evaluated 2026-01-01.

Allele frequency attached by ClinVar (database versions not stated): TOPMed 0.00002; ExAC 0.00003; gnomAD 0.00004.
gnomAD v4.1: 91 of 1,612,446 alleles (0.0056%); highest among the groups gnomAD compares: Middle Eastern, 0.64%; 1 homozygote.

Submissions (4):

CeGaT Center for Human Genetics Tuebingen
Classification: Likely benign. Last evaluated: 2026-01-01. Review status: criteria provided, single submitter. Criteria: CeGaT Center For Human Genetics Tuebingen Variant Classification Criteria Version 2. Collection method: clinical testing. Allele origin: germline. Affected: yes. Observed: 1 variant allele.
Comment: KANK1: BP4

Labcorp Genetics (formerly Invitae), Labcorp
Classification: Uncertain significance. Last evaluated: 2024-12-16. Review status: criteria provided, single submitter. Criteria: Invitae Variant Classification Sherloc (09022015). Collection method: clinical testing. Allele origin: germline.
Comment: This sequence change replaces asparagine, which is neutral and polar, with isoleucine, which is neutral and non-polar, at codon 984 of the KANK1 protein (p.Asn984Ile). This variant is present in population databases (rs74458120, gnomAD 0.02%). This variant has not been reported in the literature in individuals affected with KANK1-related conditions. ClinVar contains an entry for this variant (Variation ID: 1429783). Invitae Evidence Modeling of protein sequence and biophysical properties (such as structural, functional, and spatial information, amino acid conservation, physicochemical variation, residue mobility, and thermodynamic stability) indicates that this missense variant is not expected to disrupt KANK1 protein function with a negative predictive value of 80%. In summary, the available evidence is currently insufficient to determine the role of this variant in disease. Therefore, it has been classified as a Variant of Uncertain Significance.

Blueprint Genetics
Classification: Likely benign. Last evaluated: 2024-06-26. Review status: criteria provided, single submitter. Criteria: ACMG Guidelines, 2015. Collection method: clinical testing. Allele origin: germline.

Ambry Genetics
Classification: Uncertain significance. Last evaluated: 2022-05-31. Review status: criteria provided, single submitter. Criteria: Ambry Variant Classification Scheme 2023. Collection method: clinical testing. Allele origin: germline.

NM_015158.5(KANK1):c.2951A>T (p.Asn984Ile)

Gene: KANK1 (KN motif and ankyrin repeat domains 1; plus strand). Cytogenetic location: 9p24.3.
Variant type: single nucleotide variant.
Coding change: c.2951A>T on transcript NM_015158.5 (MANE Select); coding-DNA position 2951, A replaced by T.
Protein change: p.Asn984Ile; replaces asparagine 984 with isoleucine.
Molecular consequence: missense variant. On other transcripts: non-coding transcript variant (1).
Genome position (GRCh38, 1-based): chr9:731,212, A>T. VCF-style: chr9-731212-A-T. GRCh37 (hg19) VCF-style: chr9-731212-A-T.
Other names: c.2951A>T, p.Asn984Ile (NM_001256876.3, NM_001256877.3, NM_001354331.2 and 1 more transcripts); c.2897A>T, p.Asn966Ile (NM_001354332.2); c.2477A>T, p.Asn826Ile (NM_001354333.2, NM_001354335.2, NM_001354337.2 and 5 more transcripts); c.2423A>T, p.Asn808Ile (NM_001354336.2, NM_001354338.2, NM_001354340.2 and 1 more transcripts); c.2951A>T (NM_015158.2); short protein forms N826I, N808I, N966I, N984I.
Identifiers: ClinVar variation 1429783 (VCV001429783.12), dbSNP rs74458120, ClinGen allele CA4960701.